The following is an entry in ClinVar:

NM_203446.3(SYNJ1):c.-23G>C

Gene: SYNJ1 (synaptojanin 1; minus strand). Cytogenetic location: 21q22.11.
Variant type: single nucleotide variant.
Coding change: c.-23G>C on transcript NM_203446.3 (MANE Select); 23 bases upstream of the start codon, G replaced by C.
Molecular consequence: 5 prime UTR variant. On other transcripts: missense variant (1).
Genome position (GRCh38, 1-based): chr21:32,727,946, C>G on the plus strand (G>C on the coding strand, the complement: SYNJ1 is on the minus strand). VCF-style: chr21-32727946-C-G. GRCh37 (hg19) VCF-style: chr21-34100257-C-G.
Other names: c.95G>C, p.Arg32Thr (NM_003895.4); short protein forms R32T.
Identifiers: ClinVar variation 1037566 (VCV001037566.7), dbSNP rs1195858283, ClinGen allele CA410078601.

ClinVar aggregate classification (germline): Uncertain significance (1 of 4 stars; one submission).

Conditions:
Developmental and epileptic encephalopathy, 53. Also called: Epileptic encephalopathy, early infantile, 53. Identifiers: MedGen C4479313, MONDO:0033362, OMIM 617389.
Early-onset Parkinson disease 20. Also called: PARKINSON DISEASE 20, AUTOSOMAL RECESSIVE EARLY-ONSET. Identifiers: Orphanet 391411, MedGen C3809824, MONDO:0014233, OMIM 615530.

Allele frequency attached by ClinVar (database versions not stated): gnomAD 0.00001 and 0.00002; gnomAD exomes 0.00001; TOPMed 0.00002; 1000 Genomes Project 30x 0.00031.
gnomAD v4.1: 4 of 1,533,396 alleles (0.00026%); highest among the groups gnomAD compares: African/African-American, 0.0041%; no homozygotes.

Submission:

Labcorp Genetics (formerly Invitae), Labcorp
Classification: Uncertain significance for Developmental and epileptic encephalopathy, 53; Early-onset Parkinson disease 20. Last evaluated: 2020-10-10. Review status: criteria provided, single submitter. Criteria: Invitae Variant Classification Sherloc (09022015). Collection method: clinical testing. Allele origin: germline.
Comment: In summary, the available evidence is currently insufficient to determine the role of this variant in disease. Therefore, it has been classified as a Variant of Uncertain Significance. Nucleotide substitutions within the consensus splice site are a relatively common cause of aberrant splicing (PMID: 17576681, 9536098). Algorithms developed to predict the effect of sequence changes on RNA splicing suggest that this variant may disrupt the consensus splice site, but this prediction has not been confirmed by published transcriptional studies. Algorithms developed to predict the effect of missense changes on protein structure and function are either unavailable or do not agree on the potential impact of this missense change (SIFT: "Deleterious"; PolyPhen-2: "Probably Damaging"; Align-GVGD: "Class C0"). This variant has not been reported in the literature in individuals with SYNJ1-related conditions. The frequency data for this variant in the population databases is considered unreliable, as metrics indicate insufficient coverage at this position in the ExAC database. This sequence change replaces arginine with threonine at codon 32 of the SYNJ1 protein (p.Arg32Thr). The arginine residue is weakly conserved and there is a moderate physicochemical difference between arginine and threonine. This variant also falls at the last nucleotide of exon 1 of the SYNJ1 coding sequence, which is part of the consensus splice site for this exon.

Literature cited by the submitters: PubMed 17576681; PubMed 9536098.